The following is an entry in ClinVar:

ClinVar aggregate classification (germline): Uncertain significance (0 of 4 stars; one submission).

Conditions:
SEMA3G-related disorder. Also called: SEMA3G-related condition.

gnomAD v4.1: 5 of 1,602,582 alleles (0.00031%); highest among the groups gnomAD compares: African/African-American, 0.0068%; no homozygotes.

Submission:

PreventionGenetics, part of Exact Sciences
Classification: Uncertain significance for SEMA3G-related condition. Last evaluated: 2024-04-10. Review status: no assertion criteria provided. Collection method: clinical testing. Allele origin: germline.
Comment: The SEMA3G c.355T>C variant is predicted to result in the amino acid substitution p.Phe119Leu. To our knowledge, this variant has not been reported in the literature or in gnomAD, indicating this variant is rare. At this time, the clinical significance of this variant is uncertain due to the absence of conclusive functional and genetic evidence.

NM_020163.3(SEMA3G):c.355T>C (p.Phe119Leu)

Gene: SEMA3G (semaphorin 3G; minus strand). Cytogenetic location: 3p21.1.
Variant type: single nucleotide variant.
Coding change: c.355T>C on transcript NM_020163.3 (MANE Select); coding-DNA position 355, T replaced by C.
Protein change: p.Phe119Leu; replaces phenylalanine 119 with leucine.
Molecular consequence: missense variant.
Genome position (GRCh38, 1-based): chr3:52,442,289, A>G on the plus strand (T>C on the coding strand, the complement: SEMA3G is on the minus strand). VCF-style: chr3-52442289-A-G. GRCh37 (hg19) VCF-style: chr3-52476305-A-G.
Other names: short protein forms F119L.
Identifiers: ClinVar variation 3356432 (VCV003356432.1).